The following is an entry in ClinVar:

NM_001191061.2(SLC25A22):c.169G>C (p.Val57Leu)

Gene: SLC25A22 (solute carrier family 25 member 22; minus strand). Cytogenetic location: 11p15.5.
Variant type: single nucleotide variant.
Coding change: c.169G>C on transcript NM_001191061.2 (MANE Select); coding-DNA position 169, G replaced by C.
Protein change: p.Val57Leu; replaces valine 57 with leucine.
Molecular consequence: missense variant.
Genome position (GRCh38, 1-based): chr11:794,491, C>G on the plus strand (G>C on the coding strand, the complement: SLC25A22 is on the minus strand). VCF-style: chr11-794491-C-G. GRCh37 (hg19) VCF-style: chr11-794491-C-G.
Other names: c.169G>C, p.Val57Leu (NM_001191060.2, NM_024698.6); short protein forms V57L.
Identifiers: ClinVar variation 2069753 (VCV002069753.3), dbSNP rs150242281, ClinGen allele CA378921318.

ClinVar aggregate classification (germline): Uncertain significance (1 of 4 stars; one submission).

Conditions:
Developmental and epileptic encephalopathy. Identifiers: MedGen C5779964, MONDO:0100620.

Submission:

Labcorp Genetics (formerly Invitae), Labcorp
Classification: Uncertain significance for Early-infantile DEE. Last evaluated: 2022-08-15. Review status: criteria provided, single submitter. Criteria: Invitae Variant Classification Sherloc (09022015). Collection method: clinical testing. Allele origin: germline.
Comment: This variant is not present in population databases (gnomAD no frequency). This sequence change replaces valine, which is neutral and non-polar, with leucine, which is neutral and non-polar, at codon 57 of the SLC25A22 protein (p.Val57Leu). This variant has not been reported in the literature in individuals affected with SLC25A22-related conditions. Algorithms developed to predict the effect of missense changes on protein structure and function (SIFT, PolyPhen-2, Align-GVGD) all suggest that this variant is likely to be tolerated. In summary, the available evidence is currently insufficient to determine the role of this variant in disease. Therefore, it has been classified as a Variant of Uncertain Significance.